The following is an entry in ClinVar:

ClinVar aggregate classification (germline): Uncertain significance (1 of 4 stars; one submission).

Conditions:
Combined oxidative phosphorylation defect type 17. Also called: Combined oxidative phosphorylation deficiency 17. Identifiers: Orphanet 369913, MedGen C3809526, MONDO:0014190, OMIM 615440.

Allele frequency attached by ClinVar (database versions not stated): gnomAD exomes below 0.00001; gnomAD 0.00001; TOPMed 0.00001.
gnomAD v4.1: 6 of 1,614,130 alleles (0.00037%); highest among the groups gnomAD compares: Non-Finnish European, 0.00051%; no homozygotes.

Submission:

Labcorp Genetics (formerly Invitae), Labcorp
Classification: Uncertain significance for Combined oxidative phosphorylation defect type 17. Last evaluated: 2022-07-11. Review status: criteria provided, single submitter. Criteria: Invitae Variant Classification Sherloc (09022015). Collection method: clinical testing. Allele origin: germline.
Comment: This sequence change replaces valine, which is neutral and non-polar, with leucine, which is neutral and non-polar, at codon 621 of the ELAC2 protein (p.Val621Leu). In summary, the available evidence is currently insufficient to determine the role of this variant in disease. Therefore, it has been classified as a Variant of Uncertain Significance. Algorithms developed to predict the effect of missense changes on protein structure and function output the following: SIFT: "Tolerated"; PolyPhen-2: "Benign"; Align-GVGD: "Class C0". The leucine amino acid residue is found in multiple mammalian species, which suggests that this missense change does not adversely affect protein function. This variant has not been reported in the literature in individuals affected with ELAC2-related conditions. This variant is present in population databases (rs764922245, gnomAD 0.0009%).

NM_018127.7(ELAC2):c.1861G>C (p.Val621Leu)

Gene: ELAC2 (elaC ribonuclease Z 2; minus strand). Cytogenetic location: 17p12.
Variant type: single nucleotide variant.
Coding change: c.1861G>C on transcript NM_018127.7 (MANE Select); coding-DNA position 1861, G replaced by C.
Protein change: p.Val621Leu; replaces valine 621 with leucine.
Molecular consequence: missense variant.
Genome position (GRCh38, 1-based): chr17:12,995,010, C>G on the plus strand (G>C on the coding strand, the complement: ELAC2 is on the minus strand). VCF-style: chr17-12995010-C-G. GRCh37 (hg19) VCF-style: chr17-12898327-C-G.
Other names: c.1741G>C, p.Val581Leu (NM_001165962.2); c.1858G>C, p.Val620Leu (NM_173717.2); short protein forms V621L, V620L, V581L.
Identifiers: ClinVar variation 2026657 (VCV002026657.2), dbSNP rs764922245, ClinGen allele CA8401042.